The following is an entry in ClinVar:

ClinVar aggregate classification (germline): Uncertain significance (1 of 4 stars; one submission).

Conditions:
Hoyeraal-Hreidarsson syndrome (HHS). Also called: CEREBELLAR HYPOPLASIA WITH PANCYTOPENIA. Identifiers: Orphanet 3322, MedGen C1846142, MONDO:0018045.
Autosomal recessive dyskeratosis congenita. Identifiers: MedGen C3502105.

Submission:

Labcorp Genetics (formerly Invitae), Labcorp
Classification: Uncertain significance for Hoyeraal-Hreidarsson syndrome; Autosomal recessive dyskeratosis congenita. Last evaluated: 2024-02-17. Review status: criteria provided, single submitter. Criteria: Invitae Variant Classification Sherloc (09022015). Collection method: clinical testing. Allele origin: germline.
Comment: This sequence change replaces glutamine, which is neutral and polar, with proline, which is neutral and non-polar, at codon 63 of the DCLRE1B protein (p.Gln63Pro). This variant is not present in population databases (gnomAD no frequency). This variant has not been reported in the literature in individuals affected with DCLRE1B-related conditions. ClinVar contains an entry for this variant (Variation ID: 1009099). An algorithm developed to predict the effect of missense changes on protein structure and function (PolyPhen-2) suggests that this variant is likely to be disruptive. Algorithms developed to predict the effect of sequence changes on RNA splicing suggest that this variant may disrupt the consensus splice site. In summary, the available evidence is currently insufficient to determine the role of this variant in disease. Therefore, it has been classified as a Variant of Uncertain Significance.

NM_022836.4(DCLRE1B):c.188A>C (p.Gln63Pro)

Gene: DCLRE1B (DNA cross-link repair 1B; plus strand). Cytogenetic location: 1p13.2.
Variant type: single nucleotide variant.
Coding change: c.188A>C on transcript NM_022836.4 (MANE Select); coding-DNA position 188, A replaced by C.
Protein change: p.Gln63Pro; replaces glutamine 63 with proline.
Molecular consequence: missense variant. On other transcripts: 5 prime UTR variant (3).
Genome position (GRCh38, 1-based): chr1:113,905,774, A>C. VCF-style: chr1-113905774-A-C. GRCh37 (hg19) VCF-style: chr1-114448396-A-C.
Other names: c.-25A>C (NM_001319946.2, NM_001319947.2, NM_001363691.2); c.188A>C, p.Gln63Pro (NM_001363690.2); short protein forms Q63P.
Identifiers: ClinVar variation 1009099 (VCV001009099.8), dbSNP rs1668897682, ClinGen allele CA341697406.